The following is an entry in ClinVar:

NM_000135.4(FANCA):c.3759A>G (p.Arg1253=)

Gene: FANCA (FA complementation group A; minus strand). Cytogenetic location: 16q24.3.
Variant type: single nucleotide variant.
Coding change: c.3759A>G on transcript NM_000135.4 (MANE Select); coding-DNA position 3759, A replaced by G.
Protein change: p.Arg1253=; no amino-acid change (arginine 1253 retained).
Molecular consequence: synonymous variant.
Genome position (GRCh38, 1-based): chr16:89,742,806, T>C on the plus strand (A>G on the coding strand, the complement: FANCA is on the minus strand). VCF-style: chr16-89742806-T-C. GRCh37 (hg19) VCF-style: chr16-89809214-T-C.
Other names: c.3759A>G, p.Arg1253= (NM_001286167.3).
Identifiers: ClinVar variation 3632967 (VCV003632967.2).
Genomic context (GRCh38, chr16:89,742,806, plus strand): 5'-GATTGAAACCAAGCTTGCGAGAAAATAAATCAGTAAAAGAATTTCCTATCTTGCCTCCTC[T>C]CTCTCGCAGTCCAGCTTCTTTAGCTGCTTCCTGATGTTTTCTTCCCTGACTTGTTGAATC-3'
Protein context (NP_000126.2, residues 1243-1263): RKQLKKLDCE[Arg1253=]EELLVFLFFF

ClinVar aggregate classification (germline): Uncertain significance (1 of 4 stars; one submission).

Conditions:
Fanconi anemia (FA). Also called: Fanconi's anemia. Identifiers: Orphanet 84, MedGen C0015625, MeSH D005199, MONDO:0019391.

Submission:

Labcorp Genetics (formerly Invitae), Labcorp
Classification: Uncertain significance for Fanconi anemia. Last evaluated: 2024-10-11. Review status: criteria provided, single submitter. Criteria: Invitae Variant Classification Sherloc (09022015). Collection method: clinical testing. Allele origin: germline.
Comment: This sequence change affects codon 1253 of the FANCA mRNA. It is a 'silent' change, meaning that it does not change the encoded amino acid sequence of the FANCA protein. This variant is not present in population databases (gnomAD no frequency). This variant has not been reported in the literature in individuals affected with FANCA-related conditions. Algorithms developed to predict the effect of sequence changes on RNA splicing suggest that this variant may disrupt the consensus splice site. In summary, the available evidence is currently insufficient to determine the role of this variant in disease. Therefore, it has been classified as a Variant of Uncertain Significance.